The following is an entry in ClinVar:

NM_000551.4(VHL):c.592_607del (p.Leu198fs)

Genes: VHL (von Hippel-Lindau tumor suppressor; plus strand), LOC107303340 (3p25 von Hippel-Lindau tumor suppressor, E3 ubiquitin protein ligase Alu-mediated recombination region; plus strand). Cytogenetic location: 3p25.3.
Variant type: Deletion.
Coding change: c.592_607del on transcript NM_000551.4 (MANE Select); coding-DNA positions 592 to 607, 16 bases deleted (CTGGAGCGGCTGACAC).
Protein change: p.Leu198fs; shifts the reading frame from leucine 198.
Molecular consequence: frameshift variant. On other transcripts: 3 prime UTR variant (1), non-coding transcript variant (1).
Genome position (GRCh38, 1-based): chr3:10,149,915-10,149,930, CTGGAGCGGCTGACAC deleted; deleting any 16 consecutive bases within chr3:10,149,913-10,149,930 gives the same sequence; the c. name uses the placement nearest the transcript's 3' end. VCF-style (leftmost placement, unchanged base first): chr3-10149912-GACCTGGAGCGGCTGAC-G. GRCh37 (hg19) VCF-style: chr3-10191596-GACCTGGAGCGGCTGAC-G.
Other names: c.*146_*161del (NM_001354723.2); c.469_484del, p.Leu157fs (NM_198156.3); short protein forms L157fs, L198fs.
Identifiers: ClinVar variation 2474487 (VCV002474487.4), dbSNP rs2470171303, ClinGen allele CA645529576.

ClinVar aggregate classification (germline): Pathogenic. Review status: criteria provided, multiple submitters, no conflicts (2 of 4 stars). 2 submissions from 2 submitters: Pathogenic (2). Last evaluated 2024-03-06.

Conditions:
Chuvash polycythemia. Also called: POLYCYTHEMIA, VHL-DEPENDENT. Identifiers: Orphanet 238557, MedGen C1837915, MONDO:0009892, OMIM 263400.
Von Hippel-Lindau syndrome (VHLS). Also called: VHL syndrome; Von Hippel-Lindau; von Hippel–Lindau syndrome. Identifiers: Orphanet 892, MedGen C0019562, MONDO:0008667, OMIM 193300. Disease mechanism: loss of function.
Hereditary cancer-predisposing syndrome. Also called: Hereditary neoplastic syndrome; Tumor predisposition; Neoplastic Syndromes, Hereditary; Hereditary Cancer Syndrome. Identifiers: Orphanet 140162, MedGen C0027672, MeSH D009386, MONDO:0015356.

Submissions (2):

Labcorp Genetics (formerly Invitae), Labcorp
Classification: Pathogenic for Von Hippel-Lindau syndrome; Chuvash polycythemia. Last evaluated: 2024-03-06. Review status: criteria provided, single submitter. Criteria: Invitae Variant Classification Sherloc (09022015). Collection method: clinical testing. Allele origin: germline.
Comment: This sequence change creates a premature translational stop signal (p.Leu198Argfs*16) in the VHL gene. While this is not anticipated to result in nonsense mediated decay, it is expected to disrupt the last 16 amino acid(s) of the VHL protein. This variant is not present in population databases (gnomAD no frequency). This variant has not been reported in the literature in individuals affected with VHL-related conditions. ClinVar contains an entry for this variant (Variation ID: 2474487). This variant disrupts a region of the VHL protein in which other variant(s) (p.Leu198Gln) have been determined to be pathogenic (PMID: 12000816, 20660572). This suggests that this is a clinically significant region of the protein, and that variants that disrupt it are likely to be disease-causing. For these reasons, this variant has been classified as Pathogenic.

Ambry Genetics
Classification: Pathogenic for Hereditary cancer-predisposing syndrome. Last evaluated: 2023-02-08. Review status: criteria provided, single submitter. Criteria: Ambry Variant Classification Scheme 2023. Collection method: clinical testing. Allele origin: germline.
Comment: The c.592_607del16 pathogenic mutation, located in coding exon 3 of the VHL gene, results from a deletion of 16 nucleotides at nucleotide positions 592 to 607, causing a translational frameshift with a predicted alternate stop codon (p.L198Rfs*16). This alteration occurs at the 3' terminus of theVHL gene, is not expected to trigger nonsense-mediated mRNA decay, and only impacts the last 16 amino acids of the protein. However, premature stop codons are typically deleterious in nature, a significant portion of the protein is affected, and the impacted region is critical for protein function (Ambry internal data). This alteration has been observed in at least one individual with a personal and/or family history that is consistent with VHL-related disease (Ambry internal data). This variant is considered to be rare based on population cohorts in the Genome Aggregation Database (gnomAD). Based on the supporting evidence, this alteration is interpreted as a disease-causing mutation.

Literature cited by the submitters: PubMed 12000816 (cited by Labcorp Genetics (formerly Invitae), Labcorp); PubMed 20660572 (cited by Labcorp Genetics (formerly Invitae), Labcorp).